The following is an entry in ClinVar:

ClinVar aggregate classification (germline): Uncertain significance (1 of 4 stars; one submission).

Conditions:
Inborn genetic diseases. Identifiers: MedGen C0950123, MeSH D030342.

Submission:

Ambry Genetics
Classification: Uncertain significance for Inborn genetic diseases. Last evaluated: 2025-11-23. Review status: criteria provided, single submitter. Criteria: Ambry Variant Classification Scheme 2023. Collection method: clinical testing. Allele origin: germline.
Comment: The p.K1206R variant (also known as c.3617A>G), located in coding exon 17 of the MECOM gene, results from an A to G substitution at nucleotide position 3617. The lysine at codon 1206 is replaced by arginine, an amino acid with highly similar properties. This amino acid position is conserved. In addition, this alteration is predicted to be tolerated by in silico analysis. Based on the available evidence, the clinical significance of this variant remains unclear.

NM_004991.4(MECOM):c.3617A>G (p.Lys1206Arg)

Gene: MECOM (MDS1 and EVI1 complex locus; minus strand). Cytogenetic location: 3q26.2.
Variant type: single nucleotide variant.
Coding change: c.3617A>G on transcript NM_004991.4 (MANE Select); coding-DNA position 3617, A replaced by G.
Protein change: p.Lys1206Arg; replaces lysine 1206 with arginine.
Molecular consequence: missense variant.
Genome position (GRCh38, 1-based): chr3:169,085,012, T>C on the plus strand (A>G on the coding strand, the complement: MECOM is on the minus strand). VCF-style: chr3-169085012-T-C. GRCh37 (hg19) VCF-style: chr3-168802800-T-C.
Other names: c.3590A>G, p.Lys1197Arg (NM_001366466.2); c.3056A>G, p.Lys1019Arg (NM_001366467.2, NM_001366468.2); c.3053A>G, p.Lys1018Arg (NM_001366469.2, NM_005241.4, NM_001105078.4 and 1 more transcripts); c.3029A>G, p.Lys1010Arg (NM_001366470.2, NM_001163999.2); c.3026A>G, p.Lys1009Arg (NM_001366471.2, NM_001366472.2, NM_001164000.2); c.2618A>G, p.Lys873Arg (NM_001366473.2); c.2054A>G, p.Lys685Arg (NM_001366474.2); c.3248A>G, p.Lys1083Arg (NM_001105077.4); short protein forms K1010R, K1083R, K873R, K685R, K1009R, K1019R, K1206R, K1018R.
Identifiers: ClinVar variation 4624703 (VCV004624703.1).
Genomic context (GRCh38, chr3:169,085,012, plus strand): 5'-GCCCTGGCCATACTGTGCCACACGTTGGAAGAACTGTGGGATGTAGAATGGAGGGACTCC[T>C]TGTCAGACAGTGACAGCATCATAGCATATGCCTGGGGTAAAAAGGAGAGAGACTCAGTAA-3'
Protein context (NP_004982.2, residues 1196-1216): AYAMMLSLSD[Lys1206Arg]ESLHSTSHSS